The following is an entry in ClinVar:

NM_173354.5(SIK1):c.11T>C (p.Met4Thr)

Gene: SIK1 (salt inducible kinase 1; minus strand). Cytogenetic location: 21q22.3.
Variant type: single nucleotide variant.
Coding change: c.11T>C on transcript NM_173354.5 (MANE Select); coding-DNA position 11, T replaced by C.
Protein change: p.Met4Thr; replaces methionine 4 with threonine.
Molecular consequence: missense variant.
Genome position (GRCh38, 1-based): chr21:43,426,168, A>G on the plus strand (T>C on the coding strand, the complement: SIK1 is on the minus strand). VCF-style: chr21-43426168-A-G. GRCh37 (hg19) VCF-style: chr21-44846048-A-G.
Other names: short protein forms M4T.
Identifiers: ClinVar variation 590190 (VCV000590190.5), dbSNP rs1569017796, ClinGen allele CA410611207.

ClinVar aggregate classification (germline): Uncertain significance (1 of 4 stars; one submission).

Conditions:
Inborn genetic diseases. Identifiers: MedGen C0950123, MeSH D030342.

Submission:

Ambry Genetics
Classification: Uncertain significance for Inborn genetic diseases. Last evaluated: 2016-09-15. Review status: criteria provided, single submitter. Criteria: Ambry Variant Classification Scheme 2023. Collection method: clinical testing. Allele origin: germline.
Comment: The p.M4T variant (also known as c.11T>C), located in coding exon 1 of the SIK1 gene, results from a T to C substitution at nucleotide position 11. The methionine at codon 4 is replaced by threonine, an amino acid with similar properties. This variant was not reported in population based cohorts in the following databases: Database of Single Nucleotide Polymorphisms (dbSNP), NHLBI Exome Sequencing Project (ESP), and 1000 Genomes Project. In the ESP, this variant was not observed in 6465 samples (12930 alleles) with coverage at this position. This amino acid position is well conserved in available vertebrate species. In addition, the in silico prediction for this alteration is inconclusive. Since supporting evidence is limited at this time, the clinical significance of this variant remains unclear.